The following is an entry in ClinVar:

ClinVar aggregate classification (germline): Conflicting classifications of pathogenicity. Review status: criteria provided, conflicting classifications (1 of 4 stars). 2 submissions from 2 submitters: Uncertain significance (1); Likely benign (1). Last evaluated 2025-08-24.

Conditions:
Inborn genetic diseases. Identifiers: MedGen C0950123, MeSH D030342.
Congenital myasthenic syndrome 8. Also called: MYASTHENIC SYNDROME, CONGENITAL, DUE TO AGRIN DEFICIENCY; Myasthenic syndrome, congenital, 8, with pre- and postsynaptic defects. Identifiers: Orphanet 590, MedGen C3808739, MONDO:0014052, OMIM 615120.

Allele frequency attached by ClinVar (database versions not stated): TOPMed 0.00002; gnomAD 0.00003 and 0.00002; ExAC 0.00004; gnomAD exomes 0.00004.
gnomAD v4.1: 46 of 1,612,108 alleles (0.0029%); highest among the groups gnomAD compares: Middle Eastern, 0.016%; no homozygotes.

Submissions (2):

Ambry Genetics
Classification: Likely benign for Inborn genetic diseases. Last evaluated: 2025-08-24. Review status: criteria provided, single submitter. Criteria: Ambry Variant Classification Scheme 2023. Collection method: clinical testing. Allele origin: germline.

Labcorp Genetics (formerly Invitae), Labcorp
Classification: Uncertain significance for Congenital myasthenic syndrome 8. Last evaluated: 2024-01-15. Review status: criteria provided, single submitter. Criteria: Invitae Variant Classification Sherloc (09022015). Collection method: clinical testing. Allele origin: germline.
Comment: This sequence change replaces arginine, which is basic and polar, with histidine, which is basic and polar, at codon 1604 of the AGRN protein (p.Arg1604His). This variant is present in population databases (rs772811721, gnomAD 0.01%). This variant has not been reported in the literature in individuals affected with AGRN-related conditions. ClinVar contains an entry for this variant (Variation ID: 1417342). Algorithms developed to predict the effect of missense changes on protein structure and function output the following: SIFT: "Not Available"; PolyPhen-2: "Benign"; Align-GVGD: "Not Available". The histidine amino acid residue is found in multiple mammalian species, which suggests that this missense change does not adversely affect protein function. In summary, the available evidence is currently insufficient to determine the role of this variant in disease. Therefore, it has been classified as a Variant of Uncertain Significance.

NM_198576.4(AGRN):c.4811G>A (p.Arg1604His)

Gene: AGRN (agrin; plus strand). Cytogenetic location: 1p36.33.
Variant type: single nucleotide variant.
Coding change: c.4811G>A on transcript NM_198576.4 (MANE Select); coding-DNA position 4811, G replaced by A.
Protein change: p.Arg1604His; replaces arginine 1604 with histidine.
Molecular consequence: missense variant.
Genome position (GRCh38, 1-based): chr1:1,049,969, G>A. VCF-style: chr1-1049969-G-A. GRCh37 (hg19) VCF-style: chr1-985349-G-A.
Other names: c.4811G>A (NM_198576.3); c.4811G>A, p.Arg1604His (NM_001305275.2); c.4496G>A, p.Arg1499His (NM_001364727.2); short protein forms R1499H, R1604H.
Identifiers: ClinVar variation 1417342 (VCV001417342.7), dbSNP rs772811721, ClinGen allele CA509652.